The following is an entry in ClinVar:

NM_002049.4(GATA1):c.766A>G (p.Thr256Ala)

Gene: GATA1 (GATA binding protein 1; plus strand). Cytogenetic location: Xp11.23.
Variant type: single nucleotide variant.
Coding change: c.766A>G on transcript NM_002049.4 (MANE Select); coding-DNA position 766, A replaced by G.
Protein change: p.Thr256Ala; replaces threonine 256 with alanine.
Molecular consequence: missense variant.
Genome position (GRCh38, 1-based): chrX:48,793,193, A>G. VCF-style: chrX-48793193-A-G. GRCh37 (hg19) VCF-style: chrX-48651600-A-G.
Other names: short protein forms T256A.
Identifiers: ClinVar variation 1899020 (VCV001899020.29), dbSNP rs2519345677, ClinGen allele CA412871204.

ClinVar aggregate classification (germline): Uncertain significance. Review status: criteria provided, multiple submitters, no conflicts (2 of 4 stars). 2 submissions from 2 submitters: Uncertain significance (2). Last evaluated 2024-12-09.

Conditions:
GATA binding protein 1 related thrombocytopenia with dyserythropoiesis. Also called: GATA1-Related X-Linked Cytopenia; GATA1-Related Cytopenia. Identifiers: MedGen C1845837, MONDO:0100089.
Diamond-Blackfan anemia. Also called: Blackfan Diamond syndrome; Aregenerative anemia chronic congenital; Red cell aplasia, pure hereditary; Congenital hypoplastic anemia; Aase syndrome. Identifiers: Orphanet 124, MedGen C1260899, MeSH D029503, MONDO:0015253, HP:0004810.

Submissions (2):

Labcorp Genetics (formerly Invitae), Labcorp
Classification: Uncertain significance for GATA binding protein 1 related thrombocytopenia with dyserythropoiesis; Diamond-Blackfan anemia. Last evaluated: 2024-12-09. Review status: criteria provided, single submitter. Criteria: Invitae Variant Classification Sherloc (09022015). Collection method: clinical testing. Allele origin: germline.
Comment: This sequence change replaces threonine, which is neutral and polar, with alanine, which is neutral and non-polar, at codon 256 of the GATA1 protein (p.Thr256Ala). This variant is not present in population databases (gnomAD no frequency). This variant has not been reported in the literature in individuals affected with GATA1-related conditions. ClinVar contains an entry for this variant (Variation ID: 1899020). Invitae Evidence Modeling of protein sequence and biophysical properties (such as structural, functional, and spatial information, amino acid conservation, physicochemical variation, residue mobility, and thermodynamic stability) indicates that this missense variant is not expected to disrupt GATA1 protein function with a negative predictive value of 95%. In summary, the available evidence is currently insufficient to determine the role of this variant in disease. Therefore, it has been classified as a Variant of Uncertain Significance.

CeGaT Center for Human Genetics Tuebingen
Classification: Uncertain significance. Last evaluated: 2022-07-01. Review status: criteria provided, single submitter. Criteria: CeGaT Center For Human Genetics Tuebingen Variant Classification Criteria Version 2. Collection method: clinical testing. Allele origin: germline. Affected: yes. Observed: 1 variant allele.
Comment: GATA1: PM2, PP2